The following is an entry in ClinVar:

ClinVar aggregate classification (germline): Uncertain significance (1 of 4 stars; one submission).

gnomAD v4.1: 1 of 1,613,924 alleles (0.000062%); highest among the groups gnomAD compares: African/African-American, 0.0013%; no homozygotes.

Submission:

Labcorp Genetics (formerly Invitae), Labcorp
Classification: Uncertain significance. Last evaluated: 2024-09-24. Review status: criteria provided, single submitter. Criteria: Invitae Variant Classification Sherloc (09022015). Collection method: clinical testing. Allele origin: germline.
Comment: This sequence change replaces serine, which is neutral and polar, with threonine, which is neutral and polar, at codon 1687 of the KMT2A protein (p.Ser1687Thr). This variant is present in population databases (no rsID available, gnomAD 0.01%). This variant has not been reported in the literature in individuals affected with KMT2A-related conditions. Invitae Evidence Modeling of protein sequence and biophysical properties (such as structural, functional, and spatial information, amino acid conservation, physicochemical variation, residue mobility, and thermodynamic stability) has been performed for this missense variant. However, the output from this modeling did not meet the statistical confidence thresholds required to predict the impact of this variant on KMT2A protein function. In summary, the available evidence is currently insufficient to determine the role of this variant in disease. Therefore, it has been classified as a Variant of Uncertain Significance.

NM_001197104.2(KMT2A):c.5060G>C (p.Ser1687Thr)

Gene: KMT2A (lysine methyltransferase 2A; plus strand). Cytogenetic location: 11q23.3.
Variant type: single nucleotide variant.
Coding change: c.5060G>C on transcript NM_001197104.2 (MANE Select); coding-DNA position 5060, G replaced by C.
Protein change: p.Ser1687Thr; replaces serine 1687 with threonine.
Molecular consequence: missense variant.
Genome position (GRCh38, 1-based): chr11:118,493,112, G>C. VCF-style: chr11-118493112-G-C. GRCh37 (hg19) VCF-style: chr11-118363827-G-C.
Other names: c.5150G>C, p.Ser1717Thr (NM_001412597.1); c.5051G>C, p.Ser1684Thr (NM_005933.4); short protein forms S1684T, S1717T, S1687T.
Identifiers: ClinVar variation 3634323 (VCV003634323.2).